The following is an entry in ClinVar:

NM_032444.4(SLX4):c.5212G>T (p.Gly1738Trp)

Gene: SLX4 (SLX4 structure-specific endonuclease subunit; minus strand). Cytogenetic location: 16p13.3.
Variant type: single nucleotide variant.
Coding change: c.5212G>T on transcript NM_032444.4 (MANE Select); coding-DNA position 5212, G replaced by T.
Protein change: p.Gly1738Trp; replaces glycine 1738 with tryptophan.
Molecular consequence: missense variant.
Genome position (GRCh38, 1-based): chr16:3,582,635, C>A on the plus strand (G>T on the coding strand, the complement: SLX4 is on the minus strand). VCF-style: chr16-3582635-C-A. GRCh37 (hg19) VCF-style: chr16-3632636-C-A.
Other names: short protein forms G1738W.
Identifiers: ClinVar variation 848629 (VCV000848629.12), dbSNP rs556217576, ClinGen allele CA7865376.
Genomic context (GRCh38, chr16:3,582,635, plus strand): 5'-ACCTCAGCGCCTCGTCTGTGTCCGCCGCCTGCACGGCTGCCTGCGAGGCACTGACCTCCC[C>A]CTCGCCCTCCTCTTCACCTGCAGACTCAAATGCCGCTCCAAACTCACAGGAGGAAGAACT-3'
Protein context (NP_115820.2, residues 1728-1748): FESAGEEEGE[Gly1738Trp]EVSASQAAVQ

ClinVar aggregate classification (germline): Conflicting classifications of pathogenicity. Review status: criteria provided, conflicting classifications (1 of 4 stars). 5 submissions from 5 submitters: Uncertain significance (4); Benign (1). Last evaluated 2025-07-14.

Conditions:
Fanconi anemia complementation group P. Also called: SLX4-Related Fanconi Anemia. Identifiers: Orphanet 84, MedGen C3469542, MONDO:0013499, OMIM 613951.
Fanconi anemia (FA). Also called: Fanconi's anemia. Identifiers: Orphanet 84, MedGen C0015625, MeSH D005199, MONDO:0019391.

Allele frequency attached by ClinVar (database versions not stated): TOPMed 0.00004; ExAC 0.00025; gnomAD exomes 0.00025; 1000 Genomes Project 30x 0.00047; 1000 Genomes Project 0.00060.
gnomAD v4.1: 230 of 1,613,520 alleles (0.014%); highest among the groups gnomAD compares: South Asian, 0.2%; 1 homozygote.

Submissions (5):

Labcorp Genetics (formerly Invitae), Labcorp
Classification: Uncertain significance for Fanconi anemia. Last evaluated: 2025-07-14. Review status: criteria provided, single submitter. Criteria: Invitae Variant Classification Sherloc (09022015). Collection method: clinical testing. Allele origin: germline.
Comment: This sequence change replaces glycine, which is neutral and non-polar, with tryptophan, which is neutral and slightly polar, at codon 1738 of the SLX4 protein (p.Gly1738Trp). This variant is present in population databases (rs556217576, gnomAD 0.2%), including at least one homozygous and/or hemizygous individual. This missense change has been observed in individual(s) with male breast cancer (PMID: 30613976). ClinVar contains an entry for this variant (Variation ID: 848629). An algorithm developed to predict the effect of missense changes on protein structure and function (PolyPhen-2) suggests that this variant is likely to be disruptive. In summary, the available evidence is currently insufficient to determine the role of this variant in disease. Therefore, it has been classified as a Variant of Uncertain Significance.

Blueprint Genetics
Classification: Benign. Last evaluated: 2024-10-04. Review status: criteria provided, single submitter. Criteria: ACMG Guidelines, 2015. Collection method: clinical testing. Allele origin: germline.

Fulgent Genetics
Classification: Uncertain significance for Fanconi anemia complementation group P. Last evaluated: 2022-03-16. Review status: criteria provided, single submitter. Criteria: ACMG Guidelines, 2015. Collection method: clinical testing. Allele origin: unknown.

Sema4
Classification: Uncertain significance for Fanconi anemia. Last evaluated: 2022-03-10. Review status: criteria provided, single submitter. Criteria: Sema4 Curation Guidelines. Collection method: curation. Allele origin: germline.
Comment: The SLX4 c.5212G>T (p.G1738W) has been reported in at least one individual with breast cancer (PMID: 30613976). The variant has also been reported in a large case control study in 1/6385 ovarian cancer cases and in 0/6115 controls (PMID: 32546565). This variant was observed in 54/30610 chromosomes in the South Asian population, with one homozygote, according to the Genome Aggregation Database (PMID: 32461654). The variant has been reported in ClinVar (Variation ID: 848629). In silico tools suggest the impact of the variant on protein function is benign, though these predictions have not been confirmed by functional studies. There is no indication that this variant causes disease, but the evidence is insufficient currently to prove that conclusively. Thus, the clinical significance of this variant is currently uncertain.

Revvity Omics, Revvity
Classification: Uncertain significance for Fanconi anemia complementation group P. Last evaluated: 2021-09-22. Review status: criteria provided, single submitter. Criteria: ACMG Guidelines, 2015. Collection method: clinical testing. Allele origin: germline.

Literature cited by the submitters: PubMed 30613976 (cited by Labcorp Genetics (formerly Invitae), Labcorp and Sema4); PubMed 32546565 (cited by Sema4).